The following is an entry in ClinVar:

NC_000002.11:g.(110889369_110901118)_(110962591_?)del

Gene: NPHP1 (nephrocystin 1; minus strand). Cytogenetic location: 2q13.
Variant type: Deletion.
Identifiers: ClinVar variation 4887606 (VCV004887606.1).

ClinVar aggregate classification (germline): Pathogenic (1 of 4 stars; one submission).

Conditions:
Joubert syndrome and related disorders. Identifiers: Orphanet 140874, MedGen C5679612, MONDO:0015369.

Submission:

Women's Health and Genetics/Laboratory Corporation of America, LabCorp
Classification: Pathogenic for Joubert syndrome and related disorders. Last evaluated: 2026-06-29. Review status: criteria provided, single submitter. Criteria: LabCorp Variant Classification Summary - May 2015. Collection method: clinical testing. Allele origin: germline.
Comment: Variant summary: The variant involves the deletion of exons 1-16 in the NPHP1 gene. A presumed nomenclature of c.(?_-46)_(1697+1_1698-1)del has been designated for the purposes of this classification. The exact breakpoint at the 5' end of this variant is unknown, therefore this deletion may extend upstream of the annotated region of this gene. Although the exact breakpoints of this deletion are not known, it is predicted to remove the initiation codon and result in an absence of protein or a truncation of the encoded protein due to translation initiation at a downstream site. Loss-of-function variants in this gene are known to be pathogenic. The variant was absent in 21694 control chromosomes. To our knowledge, no occurrence of c.(?_-46)_(1697+1_1698-1)del in individuals affected with NPHP1-related conditions and no experimental evidence demonstrating its impact on protein function have been reported. No submitters have cited clinical-significance assessments for this variant to ClinVar. Based on the evidence outlined above, the variant was classified as pathogenic.